The following is an entry in ClinVar:

ClinVar aggregate classification (germline): Pathogenic (1 of 4 stars; one submission).

Conditions:
Oculopharyngeal muscular dystrophy 1 (OPMD1). Identifiers: MedGen CN376802, MONDO:0958176, OMIM 164300.

Submission:

Human Genetics Bochum, Ruhr University Bochum
Classification: Pathogenic for Oculopharyngeal muscular dystrophy 1. Last evaluated: 2026-01-05. Review status: criteria provided, single submitter. Criteria: ACMG Guidelines, 2015. Collection method: clinical testing. Allele origin: germline. Affected: yes.
Comment: ACMG criteria used to clasify this variant: PS3, PS4, PM2_sup, PP4_sup

NM_004643.4(PABPN1):c.17_34dup (p.Ala11_Gly12insAlaAlaAlaAlaAlaAla)

Genes: BCL2L2-PABPN1 (BCL2L2-PABPN1 readthrough; plus strand), PABPN1 (poly(A) binding protein nuclear 1; plus strand). Cytogenetic location: 14q11.2.
Variant type: Duplication.
Coding change: c.17_34dup on transcript NM_004643.4 (MANE Select); coding-DNA positions 17 to 34, 18 bases duplicated (CGGCGGCAGCAGCAGCGG).
Protein change: p.Ala11_Gly12insAlaAlaAlaAlaAlaAla.
Molecular consequence: inframe insertion. On other transcripts: intron variant (8).
Genome position (GRCh38, 1-based): chr14:23,321,486-23,321,503, CGGCGGCAGCAGCAGCGG duplicated; duplicating any 18 consecutive bases within chr14:23,321,482-23,321,503 gives the same sequence; the c. name uses the placement nearest the transcript's 3' end. VCF-style (leftmost placement, unchanged base first): chr14-23321481-G-GGCGGCGGCGGCAGCAGCA. GRCh37 (hg19) VCF-style: chr14-23790690-G-GGCGGCGGCGGCAGCAGCA.
Other names: c.529-695_529-678dup (NM_001387343.1, NM_001387342.1, NM_001387344.1 and 1 more transcripts); c.433-695_433-678dup (NM_001387345.1, NM_001387346.1, NM_001199864.3); c.550-695_550-678dup (NM_001387340.1); c.17_34dup, p.Ala11_Gly12insAlaAlaAlaAlaAlaAla (NM_001360551.3).
Identifiers: ClinVar variation 4876769 (VCV004876769.1).